The following is an entry in ClinVar:

NM_001374828.1(ARID1B):c.1631_1639dup (p.Ala546_Ala547insGlyAlaAla)

Gene: ARID1B (AT-rich interaction domain 1B; plus strand). Cytogenetic location: 6q25.3.
Variant type: Duplication.
Coding change: c.1631_1639dup on transcript NM_001374828.1 (MANE Select); coding-DNA positions 1631 to 1639, 9 bases duplicated (GGGCGGCGG; older notation c.1631_1639dupGGGCGGCGG).
Protein change: p.Ala546_Ala547insGlyAlaAla.
Molecular consequence: inframe insertion. On other transcripts: inframe indel (3).
Genome position (GRCh38, 1-based): chr6:156,779,311-156,779,319, GGGCGGCGG duplicated; duplicating any 9 consecutive bases within chr6:156,779,303-156,779,319 gives the same sequence; the c. name uses the placement nearest the transcript's 3' end. VCF-style (leftmost placement, unchanged base first): chr6-156779302-C-CGGCGGCGGG. GRCh37 (hg19) VCF-style: chr6-157100436-C-CGGCGGCGGG.
Other names: c.1382_1390dup, p.Ala463_Ala464insGlyAlaAla (NM_001346813.1, NM_020732.3); c.1631_1639dup, p.Ala546_Ala547insGlyAlaAla (NM_001371656.1, NM_001374820.1, NM_017519.3); c.1208_1216dup, p.Ala405_Ala406insGlyAlaAla (NM_175863.2).
Identifiers: ClinVar variation 2715307 (VCV002715307.3), dbSNP rs1392865152, ClinGen allele CA821299715.

ClinVar aggregate classification (germline): Uncertain significance (1 of 4 stars; one submission).

Submission:

Labcorp Genetics (formerly Invitae), Labcorp
Classification: Uncertain significance. Last evaluated: 2023-11-12. Review status: criteria provided, single submitter. Criteria: Invitae Variant Classification Sherloc (09022015). Collection method: clinical testing. Allele origin: germline.
Comment: This variant, c.1382_1390dup, results in the insertion of 3 amino acid(s) of the ARID1B protein (p.Gly461_Ala463dup), but otherwise preserves the integrity of the reading frame. The frequency data for this variant in the population databases is considered unreliable, as metrics indicate insufficient coverage at this position in the gnomAD database. This variant has not been reported in the literature in individuals affected with ARID1B-related conditions. In summary, the available evidence is currently insufficient to determine the role of this variant in disease. Therefore, it has been classified as a Variant of Uncertain Significance.